The following is an entry in ClinVar:

ClinVar aggregate classification (germline): Likely pathogenic (1 of 4 stars; one submission).

Conditions:
Loeys-Dietz syndrome 6. Identifiers: MedGen C5562041, MONDO:0030500, OMIM 619656.

Submission:

Variantyx, Inc.
Classification: Likely pathogenic for Loeys-Dietz syndrome 6. Last evaluated: 2025-12-18. Review status: criteria provided, single submitter. Criteria: Variantyx Assertion Criteria 2022. Collection method: clinical testing. Allele origin: de novo. Inheritance: Autosomal dominant inheritance. Affected: yes.
Comment: This is a nonsynonymous variant in the SMAD2 gene (OMIM: 601366). Multiple computational algorithms predict a deleterious effect for this variant (REVEL score: 0.914) (PP3). This variant is absent from control populations (PM2). Based on the current evidence, this variant is classified as likely pathogenic for autosomal dominant Loeys-Dietz syndrome 6.This variant was reported by previous genetic testing.

Literature cited by the submitters: PubMed 23665959.

NM_005901.6(SMAD2):c.930G>C (p.Arg310Ser)

Gene: SMAD2 (SMAD family member 2; minus strand). Cytogenetic location: 18q21.1.
Variant type: single nucleotide variant.
Coding change: c.930G>C on transcript NM_005901.6 (MANE Select); coding-DNA position 930, G replaced by C.
Protein change: p.Arg310Ser; replaces arginine 310 with serine.
Molecular consequence: missense variant.
Genome position (GRCh38, 1-based): chr18:47,848,542, C>G on the plus strand (G>C on the coding strand, the complement: SMAD2 is on the minus strand). VCF-style: chr18-47848542-C-G. GRCh37 (hg19) VCF-style: chr18-45374913-C-G.
Other names: c.930G>C, p.Arg310Ser (NM_001003652.4); c.840G>C, p.Arg280Ser (NM_001135937.3); short protein forms R280S, R310S.
Identifiers: ClinVar variation 4850755 (VCV004850755.1).